The following is an entry in ClinVar:

ClinVar aggregate classification (germline): Uncertain significance (1 of 4 stars; one submission).

Submission:

Labcorp Genetics (formerly Invitae), Labcorp
Classification: Uncertain significance. Last evaluated: 2026-01-12. Review status: criteria provided, single submitter. Criteria: Invitae Variant Classification Sherloc (09022015). Collection method: clinical testing. Allele origin: germline.
Comment: This sequence change replaces proline, which is neutral and non-polar, with leucine, which is neutral and non-polar, at codon 228 of the ACAN protein (p.Pro228Leu). This variant is not present in population databases (gnomAD no frequency). This variant has not been reported in the literature in individuals affected with ACAN-related conditions. Invitae Evidence Modeling of protein sequence and biophysical properties (such as structural, functional, and spatial information, amino acid conservation, physicochemical variation, residue mobility, and thermodynamic stability) indicates that this missense variant is not expected to disrupt ACAN protein function with a negative predictive value of 80%. In summary, the available evidence is currently insufficient to determine the role of this variant in disease. Therefore, it has been classified as a Variant of Uncertain Significance.

NM_001369268.1(ACAN):c.683C>T (p.Pro228Leu)

Gene: ACAN (aggrecan; plus strand). Cytogenetic location: 15q26.1.
Variant type: single nucleotide variant.
Coding change: c.683C>T on transcript NM_001369268.1 (MANE Select); coding-DNA position 683, C replaced by T.
Protein change: p.Pro228Leu; replaces proline 228 with leucine.
Molecular consequence: missense variant.
Genome position (GRCh38, 1-based): chr15:88,841,793, C>T. VCF-style: chr15-88841793-C-T. GRCh37 (hg19) VCF-style: chr15-89385024-C-T.
Other names: c.683C>T, p.Pro228Leu (NM_001135.4, NM_001411096.1, NM_001411097.1 and 1 more transcripts); short protein forms P228L.
Identifiers: ClinVar variation 4737854 (VCV004737854.1).